The following is an entry in ClinVar:

NM_024426.6(WT1):c.261C>G (p.Ala87=)

Genes: WT1 (WT1 transcription factor; minus strand), LOC107982234 (WT1/WT1-AS bi-directional promoter region; plus strand). Cytogenetic location: 11p13.
Variant type: single nucleotide variant.
Coding change: c.261C>G on transcript NM_024426.6 (MANE Select); coding-DNA position 261, C replaced by G.
Protein change: p.Ala87=; no amino-acid change (alanine 87 retained).
Molecular consequence: synonymous variant. On other transcripts: non-coding transcript variant (2).
Genome position (GRCh38, 1-based): chr11:32,435,100, G>C on the plus strand (C>G on the coding strand, the complement: WT1 is on the minus strand). VCF-style: chr11-32435100-G-C. GRCh37 (hg19) VCF-style: chr11-32456646-G-C.
Other names: c.246C>G (NM_024426.4); c.261C>G, p.Ala87= (NM_000378.6, NM_001407044.1, NM_001407045.1 and 6 more transcripts); c.246C>G, p.Ala82= (NM_024425.2).
Identifiers: ClinVar variation 2140947 (VCV002140947.6), dbSNP rs1298313010, ClinGen allele CA473774007.
Genomic context (GRCh38, chr11:32,435,100, plus strand): 5'-CCACTGCGCCGCGCCGCTCACAGGCAGGGCACAGCCGCCGCCGCCACCCAGGGAGGGGAC[G>C]GCGGGCAGCAGCGCGTTCAGGTCCCGCACGTCGGAGCCCATTTGCTGCGGCTCAGACCCG-3'
Protein context (NP_077744.4, residues 77-97): DVRDLNALLP[Ala87=]VPSLGGGGGC

ClinVar aggregate classification (germline): Likely benign. Review status: criteria provided, multiple submitters, no conflicts (2 of 4 stars). 3 submissions from 3 submitters: Likely benign (3). Last evaluated 2025-02-25.

Conditions:
Inborn genetic diseases. Identifiers: MedGen C0950123, MeSH D030342.
Wilms tumor 1 (WT1). Also called: Wilms tumor, somatic. Identifiers: Orphanet 654, MedGen CN033288, MONDO:0008679, OMIM 194070.
11p partial monosomy syndrome (WAGR). Also called: CHROMOSOME 11p13 DELETION SYNDROME; WAGR syndrome; WAGR Complex; WAGR Spectrum Disorder. Identifiers: Orphanet 893, MedGen C0206115, MONDO:0008681, OMIM 194072.
Drash syndrome (DDS). Also called: WILMS TUMOR AND PSEUDO- OR TRUE HERMAPHRODITISM; NEPHROPATHY, WILMS TUMOR, AND GENITAL ANOMALIES. Identifiers: Orphanet 220, MedGen C0950121, MONDO:0008682, OMIM 194080.
Frasier syndrome. Identifiers: Orphanet 347, MedGen C0950122, MeSH D052159, MONDO:0007635, OMIM 136680.

gnomAD v4.1: 6 of 1,505,948 alleles (0.0004%); highest among the groups gnomAD compares: South Asian, 0.0012%; no homozygotes.

Submissions (3):

Ambry Genetics
Classification: Likely benign for Inborn genetic diseases. Last evaluated: 2025-02-25. Review status: criteria provided, single submitter. Criteria: Ambry Variant Classification Scheme 2023. Collection method: clinical testing. Allele origin: germline.

All of Us Research Program, National Institutes of Health
Classification: Likely benign for Wilms tumor 1. Last evaluated: 2023-10-27. Review status: criteria provided, single submitter. Criteria: ACMG Guidelines, 2015. Collection method: clinical testing. Allele origin: germline. Inheritance: Autosomal dominant inheritance. Observed: 2 variant alleles, 2 heterozygotes.
Comment: This study involves interpretation of variants in research participants for the purpose of population health screening. Participant phenotype was not available at the time of variant classification. Additional details can be found in publication PMID: 35346344, PMCID: PMC8962531

Labcorp Genetics (formerly Invitae), Labcorp
Classification: Likely benign for Wilms tumor 1; Drash syndrome; 11p partial monosomy syndrome; Frasier syndrome. Last evaluated: 2022-04-08. Review status: criteria provided, single submitter. Criteria: Invitae Variant Classification Sherloc (09022015). Collection method: clinical testing. Allele origin: germline.